The following is an entry in ClinVar:

ClinVar aggregate classification (germline): Uncertain significance (1 of 4 stars; one submission).

Conditions:
Inborn genetic diseases. Identifiers: MedGen C0950123, MeSH D030342.

Submission:

Ambry Genetics
Classification: Uncertain significance for Inborn genetic diseases. Last evaluated: 2025-09-11. Review status: criteria provided, single submitter. Criteria: Ambry Variant Classification Scheme 2023. Collection method: clinical testing. Allele origin: germline.
Comment: The p.D400N variant (also known as c.1198G>A), located in coding exon 8 of the MECOM gene, results from a G to A substitution at nucleotide position 1198. The aspartic acid at codon 400 is replaced by asparagine, an amino acid with highly similar properties. This amino acid position is conserved. In addition, this alteration is predicted to be tolerated by in silico analysis. Based on the available evidence, the clinical significance of this variant remains unclear.

NM_004991.4(MECOM):c.1198G>A (p.Asp400Asn)

Gene: MECOM (MDS1 and EVI1 complex locus; minus strand). Cytogenetic location: 3q26.2.
Variant type: single nucleotide variant.
Coding change: c.1198G>A on transcript NM_004991.4 (MANE Select); coding-DNA position 1198, G replaced by A.
Protein change: p.Asp400Asn; replaces aspartic acid 400 with asparagine.
Molecular consequence: missense variant. On other transcripts: intron variant (2).
Genome position (GRCh38, 1-based): chr3:169,116,674, C>T on the plus strand (G>A on the coding strand, the complement: MECOM is on the minus strand). VCF-style: chr3-169116674-C-T. GRCh37 (hg19) VCF-style: chr3-168834462-C-T.
Other names: c.829G>A, p.Asp277Asn (NM_001105077.4); c.634G>A, p.Asp212Asn (NM_001105078.4, NM_001164000.2, NM_001205194.2 and 4 more transcripts); c.637G>A, p.Asp213Asn (NM_001163999.2, NM_001366467.2, NM_001366468.2 and 1 more transcripts); c.1198G>A, p.Asp400Asn (NM_001366466.2); c.1133-907G>A (NM_001366473.2); c.569-907G>A (NM_001366474.2); short protein forms D212N, D213N, D400N, D277N.
Identifiers: ClinVar variation 4105920 (VCV004105920.1).